The following is an entry in ClinVar:

ClinVar aggregate classification (germline): Likely benign (1 of 4 stars; one submission).

Submission:

CeGaT Center for Human Genetics Tuebingen
Classification: Likely benign. Last evaluated: 2025-05-01. Review status: criteria provided, single submitter. Criteria: CeGaT Center For Human Genetics Tuebingen Variant Classification Criteria Version 2. Collection method: clinical testing. Allele origin: germline. Affected: yes. Observed: 1 variant allele.
Comment: KCNC3: BP4, BP7

NM_004977.3(KCNC3):c.2208T>G (p.Arg736=)

Gene: KCNC3 (potassium voltage-gated channel subfamily C member 3; minus strand). Cytogenetic location: 19q13.33.
Variant type: single nucleotide variant.
Coding change: c.2208T>G on transcript NM_004977.3 (MANE Select); coding-DNA position 2208, T replaced by G.
Protein change: p.Arg736=; no amino-acid change (arginine 736 retained).
Molecular consequence: synonymous variant.
Genome position (GRCh38, 1-based): chr19:50,320,312, A>C on the plus strand (T>G on the coding strand, the complement: KCNC3 is on the minus strand). VCF-style: chr19-50320312-A-C. GRCh37 (hg19) VCF-style: chr19-50823569-A-C.
Other names: c.1980T>G, p.Arg660= (NM_001372305.1).
Identifiers: ClinVar variation 3905727 (VCV003905727.10).